The following is an entry in ClinVar:

NM_018684.4(ZC4H2):c.209A>C (p.His70Pro)

Gene: ZC4H2 (zinc finger C4H2-type containing; minus strand). Cytogenetic location: Xq11.2.
Variant type: single nucleotide variant.
Coding change: c.209A>C on transcript NM_018684.4 (MANE Select); coding-DNA position 209, A replaced by C.
Protein change: p.His70Pro; replaces histidine 70 with proline.
Molecular consequence: missense variant. On other transcripts: non-coding transcript variant (1).
Genome position (GRCh38, 1-based): chrX:64,921,833, T>G on the plus strand (A>C on the coding strand, the complement: ZC4H2 is on the minus strand). VCF-style: chrX-64921833-T-G. GRCh37 (hg19) VCF-style: chrX-64141713-T-G.
Other names: c.140A>C, p.His47Pro (NM_001178032.3, NM_001243804.2); c.209A>C, p.His70Pro (NM_001178033.3); short protein forms H47P, H70P.
Identifiers: ClinVar variation 4755974 (VCV004755974.1).

ClinVar aggregate classification (germline): Uncertain significance (1 of 4 stars; one submission).

Submission:

GeneDx
Classification: Uncertain significance. Last evaluated: 2025-08-08. Review status: criteria provided, single submitter. Criteria: GeneDx Variant Classification Process June 2021. Collection method: clinical testing. Allele origin: germline. Affected: yes.
Comment: Not observed at significant frequency in large population cohorts (gnomAD); In silico analysis supports that this missense variant has a deleterious effect on protein structure/function; Has not been previously published as pathogenic or benign to our knowledge